The following is an entry in ClinVar:

NM_012200.4(B3GAT3):c.*10del

Gene: B3GAT3 (beta-1,3-glucuronyltransferase 3; minus strand). Cytogenetic location: 11q12.3.
Variant type: Deletion.
Coding change: c.*10del on transcript NM_012200.4 (MANE Select); 10 bases downstream of the stop codon, one base deleted (C; older notation c.*10delC).
Molecular consequence: 3 prime UTR variant. On other transcripts: non-coding transcript variant (1).
Genome position (GRCh38, 1-based): chr11:62,615,691, G deleted on the plus strand (C on the coding strand, the reverse complement: B3GAT3 is on the minus strand); the first of 4 consecutive G bases (chr11:62,615,691-62,615,694); deleting any one gives the same sequence. VCF-style (leftmost placement, unchanged base first): chr11-62615690-TG-T. GRCh37 (hg19) VCF-style: chr11-62383162-TG-T.
Other names: c.*10del (NM_001288721.2); c.*495del (NM_001288722.2); c.*511del (NM_001288723.2).
Identifiers: ClinVar variation 1698027 (VCV001698027.2), dbSNP rs774847138, ClinGen allele CA6049927.

ClinVar aggregate classification (germline): Likely benign (1 of 4 stars; one submission).

Submission:

GeneDx
Classification: Likely benign. Last evaluated: 2022-07-20. Review status: criteria provided, single submitter. Criteria: GeneDx Variant Classification Process June 2021. Collection method: clinical testing. Allele origin: germline. Affected: yes.
Comment: See Variant Classification Assertion Criteria.